The following is an entry in ClinVar:

NM_001134363.3(RBM20):c.598A>G (p.Thr200Ala)

Gene: RBM20 (RNA binding motif protein 20; plus strand). Cytogenetic location: 10q25.2.
Variant type: single nucleotide variant.
Coding change: c.598A>G on transcript NM_001134363.3 (MANE Select); coding-DNA position 598, A replaced by G.
Protein change: p.Thr200Ala; replaces threonine 200 with alanine.
Molecular consequence: missense variant.
Genome position (GRCh38, 1-based): chr10:110,781,207, A>G. VCF-style: chr10-110781207-A-G. GRCh37 (hg19) VCF-style: chr10-112540965-A-G.
Other names: short protein forms T200A.
Identifiers: ClinVar variation 3636958 (VCV003636958.2).

ClinVar aggregate classification (germline): Uncertain significance (1 of 4 stars; one submission).

Conditions:
Dilated cardiomyopathy 1DD (CMD1DD). Identifiers: Orphanet 154, MedGen C2750995, MONDO:0013168, OMIM 613172.

Submission:

Labcorp Genetics (formerly Invitae), Labcorp
Classification: Uncertain significance for Dilated cardiomyopathy 1DD. Last evaluated: 2024-12-22. Review status: criteria provided, single submitter. Criteria: Invitae Variant Classification Sherloc (09022015). Collection method: clinical testing. Allele origin: germline.
Comment: This sequence change replaces threonine, which is neutral and polar, with alanine, which is neutral and non-polar, at codon 200 of the RBM20 protein (p.Thr200Ala). This variant is not present in population databases (gnomAD no frequency). This variant has not been reported in the literature in individuals affected with RBM20-related conditions. Invitae Evidence Modeling of protein sequence and biophysical properties (such as structural, functional, and spatial information, amino acid conservation, physicochemical variation, residue mobility, and thermodynamic stability) indicates that this missense variant is not expected to disrupt RBM20 protein function with a negative predictive value of 95%. In summary, the available evidence is currently insufficient to determine the role of this variant in disease. Therefore, it has been classified as a Variant of Uncertain Significance.